The following is an entry in ClinVar:

NM_000620.5(NOS1):c.2532-2256C>A

Gene: NOS1 (nitric oxide synthase 1; minus strand). Cytogenetic location: 12q24.22.
Variant type: single nucleotide variant.
Coding change: c.2532-2256C>A on transcript NM_000620.5 (MANE Select); 2256 bases into the intron before coding-DNA position 2532, C replaced by A.
Molecular consequence: intron variant. On other transcripts: synonymous variant (1).
Genome position (GRCh38, 1-based): chr12:117,256,010, G>T on the plus strand (C>A on the coding strand, the complement: NOS1 is on the minus strand). VCF-style: chr12-117256010-G-T. GRCh37 (hg19) VCF-style: chr12-117693815-G-T.
Other names: c.2559C>A, p.Pro853= (NM_001204218.2); c.1524-2256C>A (NM_001204214.2, NM_001204213.2).
Identifiers: ClinVar variation 3053861 (VCV003053861.2), dbSNP rs78210735, ClinGen allele CA6814793.

ClinVar aggregate classification (germline): Benign (0 of 4 stars; one submission).

Conditions:
NOS1-related disorder. Also called: NOS1-related condition.

Allele frequency attached by ClinVar (database versions not stated): gnomAD exomes 0.00044; gnomAD 0.00059; TOPMed 0.00073; ExAC 0.00113; 1000 Genomes Project 30x 0.00234; 1000 Genomes Project 0.00240.
gnomAD v4.1: 714 of 1,467,702 alleles (0.049%); highest among the groups gnomAD compares: East Asian, 1.6%; 5 homozygotes.

Submission:

PreventionGenetics, part of Exact Sciences
Classification: Benign for NOS1-related condition. Last evaluated: 2019-11-26. Review status: no assertion criteria provided. Collection method: clinical testing. Allele origin: germline.
Comment: This variant is classified as benign based on ACMG/AMP sequence variant interpretation guidelines (Richards et al. 2015 PMID: 25741868, with internal and published modifications).